The following is an entry in ClinVar:

ClinVar aggregate classification (germline): Uncertain significance (1 of 4 stars; one submission).

Conditions:
Kabuki syndrome. Also called: NIIKAWA-KUROKI SYNDROME; Kabuki make-up syndrome. Identifiers: Orphanet 2322, MedGen C0796004, MONDO:0016512.

Submission:

Labcorp Genetics (formerly Invitae), Labcorp
Classification: Uncertain significance for Kabuki syndrome. Last evaluated: 2025-02-03. Review status: criteria provided, single submitter. Criteria: Invitae Variant Classification Sherloc (09022015). Collection method: clinical testing. Allele origin: germline.
Comment: This sequence change replaces asparagine, which is neutral and polar, with tyrosine, which is neutral and polar, at codon 4166 of the KMT2D protein (p.Asn4166Tyr). This variant is not present in population databases (gnomAD no frequency). This variant has not been reported in the literature in individuals affected with KMT2D-related conditions. ClinVar contains an entry for this variant (Variation ID: 2805068). Invitae Evidence Modeling of protein sequence and biophysical properties (such as structural, functional, and spatial information, amino acid conservation, physicochemical variation, residue mobility, and thermodynamic stability) indicates that this missense variant is not expected to disrupt KMT2D protein function with a negative predictive value of 95%. In summary, the available evidence is currently insufficient to determine the role of this variant in disease. Therefore, it has been classified as a Variant of Uncertain Significance.

NM_003482.4(KMT2D):c.12496A>T (p.Asn4166Tyr)

Gene: KMT2D (lysine methyltransferase 2D; minus strand). Cytogenetic location: 12q13.12.
Variant type: single nucleotide variant.
Coding change: c.12496A>T on transcript NM_003482.4 (MANE Select); coding-DNA position 12496, A replaced by T.
Protein change: p.Asn4166Tyr; replaces asparagine 4166 with tyrosine.
Molecular consequence: missense variant.
Genome position (GRCh38, 1-based): chr12:49,032,209, T>A on the plus strand (A>T on the coding strand, the complement: KMT2D is on the minus strand). VCF-style: chr12-49032209-T-A. GRCh37 (hg19) VCF-style: chr12-49425992-T-A.
Other names: short protein forms N4166Y.
Identifiers: ClinVar variation 2805068 (VCV002805068.3), dbSNP rs2498356540, ClinGen allele CA384711223.
Genomic context (GRCh38, chr12:49,032,209, plus strand): 5'-GCAGACCCTGCCCAGACTGGAGGACAGGTCCTGGTTTGGGAGGTTGTGGCCCTGTATTAT[T>A]TTGCATGGGCCGCTCTAGCATGGGCTGTTGGGGGCCCAGAAGGTTCTGGGTCATGGACCC-3'
Protein context (NP_003473.3, residues 4156-4176): QQPMLERPMQ[Asn4166Tyr]NTGPQPPKPG